The following is an entry in ClinVar:

NM_001271.4(CHD2):c.973G>T (p.Glu325Ter)

Gene: CHD2 (chromodomain helicase DNA binding protein 2; plus strand). Cytogenetic location: 15q26.1.
Variant type: single nucleotide variant.
Coding change: c.973G>T on transcript NM_001271.4 (MANE Select); coding-DNA position 973, G replaced by T.
Protein change: p.Glu325Ter; replaces glutamic acid 325 with a stop codon.
Molecular consequence: nonsense.
Genome position (GRCh38, 1-based): chr15:92,942,989, G>T. VCF-style: chr15-92942989-G-T. GRCh37 (hg19) VCF-style: chr15-93486219-G-T.
Other names: c.973G>T, p.Glu325Ter (NM_001042572.3); short protein forms E325*.
Identifiers: ClinVar variation 3654988 (VCV003654988.2).
Genomic context (GRCh38, chr15:92,942,989, plus strand): 5'-ATCCAGTACCTCATCAAGTGGAAGGGTTGGTCTTACATCCACAGCACATGGGAGAGTGAA[G>T]AATCCTTACAGCAACAGAAAGTGAAGGGCCTAAAAAAACTAGAGAACTTCAAGAAAAAAG-3'

ClinVar aggregate classification (germline): Pathogenic (1 of 4 stars; one submission).

Conditions:
Developmental and epileptic encephalopathy 94 (DEE94). Also called: CHD2-Related Neurodevelopmental Disorders; Epileptic encephalopathy, childhood-onset. Identifiers: Orphanet 1942, Orphanet 2382, MedGen C3809278, MONDO:0014150, OMIM 615369.

Submission:

Labcorp Genetics (formerly Invitae), Labcorp
Classification: Pathogenic for Developmental and epileptic encephalopathy 94. Last evaluated: 2024-05-29. Review status: criteria provided, single submitter. Criteria: Invitae Variant Classification Sherloc (09022015). Collection method: clinical testing. Allele origin: germline.
Comment: This sequence change creates a premature translational stop signal (p.Glu325*) in the CHD2 gene. It is expected to result in an absent or disrupted protein product. Loss-of-function variants in CHD2 are known to be pathogenic (PMID: 23708187, 24207121). This variant is not present in population databases (gnomAD no frequency). This variant has not been reported in the literature in individuals affected with CHD2-related conditions. Algorithms developed to predict the effect of sequence changes on RNA splicing suggest that this variant may disrupt the consensus splice site. For these reasons, this variant has been classified as Pathogenic.

Literature cited by the submitters: PubMed 23708187; PubMed 24207121.